The following is an entry in ClinVar:

NM_001378454.1(ALMS1):c.5750_5753del (p.Ala1917fs)

Gene: ALMS1 (ALMS1 centrosome and basal body associated protein; plus strand). Cytogenetic location: 2p13.1.
Variant type: Deletion.
Coding change: c.5750_5753del on transcript NM_001378454.1 (MANE Select); coding-DNA positions 5750 to 5753, 4 bases deleted (CTTT; older notation c.5750_5753delCTTT).
Protein change: p.Ala1917fs; shifts the reading frame from alanine 1917.
Molecular consequence: frameshift variant.
Genome position (GRCh38, 1-based): chr2:73,452,277-73,452,280, CTTT deleted. VCF-style (leftmost placement, unchanged base first): chr2-73452276-GCTTT-G. GRCh37 (hg19) VCF-style: chr2-73679403-GCTTT-G.
Other names: c.5753_5756del, p.Ala1918fs (NM_015120.4); short protein forms A1917fs, A1918fs.
Identifiers: ClinVar variation 1074193 (VCV001074193.7), dbSNP rs2103787540, ClinGen allele CA2499216260.
Genomic context (GRCh38, chr2:73,452,276, plus strand): 5'-TCAAATAGAGAGAAGGCCAGTATTTTTCATCAGCAGGAGTTGCCAGATGTTACTGAAGAA[GCTTT>G]AAATGTTTTTGTTGTTCCTGGACAAGGTGACCGGAAGACTGAGATACCAACAGTACCTTT-3'

ClinVar aggregate classification (germline): Pathogenic (1 of 4 stars; one submission).

Conditions:
Alstrom syndrome (ALMS). Identifiers: Orphanet 64, MedGen C0268425, MONDO:0008763, OMIM 203800.

Submission:

Labcorp Genetics (formerly Invitae), Labcorp
Classification: Pathogenic for Alstrom syndrome. Last evaluated: 2020-07-21. Review status: criteria provided, single submitter. Criteria: Invitae Variant Classification Sherloc (09022015). Collection method: clinical testing. Allele origin: germline.
Comment: For these reasons, this variant has been classified as Pathogenic. Loss-of-function variants in ALMS1 are known to be pathogenic (PMID: 17594715). This variant has not been reported in the literature in individuals with ALMS1-related conditions. This variant is not present in population databases (ExAC no frequency). This sequence change creates a premature translational stop signal (p.Ala1918Glufs*21) in the ALMS1 gene. It is expected to result in an absent or disrupted protein product.

Literature cited by the submitters: PubMed 17594715.